The following is an entry in ClinVar:

ClinVar aggregate classification (germline): Uncertain significance (1 of 4 stars; one submission).

Conditions:
Autosomal dominant distal renal tubular acidosis (DRTA1). Also called: Renal Tubular Acidosis, Type I; RENAL TUBULAR ACIDOSIS, DISTAL, 1; RTA, CLASSIC TYPE; RTA, DISTAL TYPE, AUTOSOMAL DOMINANT; RTA, GRADIENT TYPE. Identifiers: Orphanet 93608, MedGen CN280572, MONDO:0008368, OMIM 179800.
Renal tubular acidosis, distal, 4, with hemolytic anemia. Also called: Renal Tubular Acidosis, Distal, with Hemolytic Anemia. Identifiers: Orphanet 93610, MedGen C5436235, MONDO:0012700, OMIM 611590.

gnomAD v4.1: 18 of 1,614,168 alleles (0.0011%); highest among the groups gnomAD compares: South Asian, 0.018%; no homozygotes.

Submission:

Rare Kidney Stone Consortium and the Mayo Clinic Hyperoxaluria Center, Mayo Clinic
Classification: Uncertain significance for Renal tubular acidosis, distal, 4, with hemolytic anemia; Autosomal dominant distal renal tubular acidosis. Last evaluated: 2025-10-03. Review status: criteria provided, single submitter. Criteria: ACMG Guidelines, 2015. Collection method: research. Allele origin: germline. Observed: 1 variant allele.
Comment: ACMG:PM1, PM2, PP3

Literature cited by the submitters: PubMed 40794449.

NM_000342.4(SLC4A1):c.332G>C (p.Arg111Pro)

Gene: SLC4A1 (solute carrier family 4 member 1 (Diego blood group); minus strand). Cytogenetic location: 17q21.31.
Variant type: single nucleotide variant.
Coding change: c.332G>C on transcript NM_000342.4 (MANE Select); coding-DNA position 332, G replaced by C.
Protein change: p.Arg111Pro; replaces arginine 111 with proline.
Molecular consequence: missense variant.
Genome position (GRCh38, 1-based): chr17:44,260,652, C>G on the plus strand (G>C on the coding strand, the complement: SLC4A1 is on the minus strand). VCF-style: chr17-44260652-C-G. GRCh37 (hg19) VCF-style: chr17-42338020-C-G.
Other names: short protein forms R111P.
Identifiers: ClinVar variation 4526831 (VCV004526831.1).
Genomic context (GRCh38, chr17:44,260,652, plus strand): 5'-AATCCTCATCTGCAGGGGGTCCAGAAGGGCCCAGGAGGCTCACCCTTGGTGAAGACTCTA[C>G]GCAGCTCTAGGAGGCTCCAGAAGGTGAGGTGAGAGAGGTGCGGGCGGCCCCAGGCCCCAT-3'
Protein context (NP_000333.1, residues 101-121): HLTFWSLLEL[Arg111Pro]RVFTKGTVLL